The following is an entry in ClinVar:

ClinVar aggregate classification (germline): Uncertain significance (1 of 4 stars; one submission).

Conditions:
Alagille syndrome due to a JAG1 point mutation. Also called: Alagille Syndrome 1; HEPATIC DUCTULAR HYPOPLASIA, SYNDROMATIC; JAG1-Related Alagille Syndrome. Identifiers: Orphanet 261619, Orphanet 52, MedGen C1956125, MONDO:0016862, OMIM 118450.

Submission:

Labcorp Genetics (formerly Invitae), Labcorp
Classification: Uncertain significance for Alagille syndrome due to a JAG1 point mutation. Last evaluated: 2025-09-28. Review status: criteria provided, single submitter. Criteria: Invitae Variant Classification Sherloc (09022015). Collection method: clinical testing. Allele origin: germline.
Comment: This sequence change replaces proline, which is neutral and non-polar, with serine, which is neutral and polar, at codon 1006 of the JAG1 protein (p.Pro1006Ser). This variant is not present in population databases (gnomAD no frequency). This variant has not been reported in the literature in individuals affected with JAG1-related conditions. ClinVar contains an entry for this variant (Variation ID: 1406411). Invitae Evidence Modeling of protein sequence and biophysical properties (such as structural, functional, and spatial information, amino acid conservation, physicochemical variation, residue mobility, and thermodynamic stability) indicates that this missense variant is not expected to disrupt JAG1 protein function with a negative predictive value of 95%. In summary, the available evidence is currently insufficient to determine the role of this variant in disease. Therefore, it has been classified as a Variant of Uncertain Significance.

NM_000214.3(JAG1):c.3016C>T (p.Pro1006Ser)

Gene: JAG1 (jagged canonical Notch ligand 1; minus strand). Cytogenetic location: 20p12.2.
Variant type: single nucleotide variant.
Coding change: c.3016C>T on transcript NM_000214.3 (MANE Select); coding-DNA position 3016, C replaced by T.
Protein change: p.Pro1006Ser; replaces proline 1006 with serine.
Molecular consequence: missense variant.
Genome position (GRCh38, 1-based): chr20:10,641,145, G>A on the plus strand (C>T on the coding strand, the complement: JAG1 is on the minus strand). VCF-style: chr20-10641145-G-A. GRCh37 (hg19) VCF-style: chr20-10621793-G-A.
Other names: short protein forms P1006S.
Identifiers: ClinVar variation 1406411 (VCV001406411.6), dbSNP rs2122595723, ClinGen allele CA408244454.